The following is an entry in ClinVar:

ClinVar aggregate classification (germline): Uncertain significance (1 of 4 stars; one submission).

Submission:

Women's Health and Genetics/Laboratory Corporation of America, LabCorp
Classification: Uncertain significance. Last evaluated: 2026-03-23. Review status: criteria provided, single submitter. Criteria: LabCorp Variant Classification Summary - May 2015. Collection method: clinical testing. Allele origin: germline.
Comment: Variant summary: The variant involves the duplication of exons 1-34 in the DOCK8 gene. A presumed nomenclature of c.(?_-113)_(4338+1_4339-1)dup has been designated for the purposes of this classification. The exact breakpoint at the 5' end of this variant is unknown, therefore this duplication may extend upstream of the annotated region of this gene. It is predicted to duplicate a segment including the initiation codon, therefore its impact on the encoded protein is unknown. The variant was absent in 21580 control chromosomes. The available data on variant occurrences in the general population are insufficient to allow any conclusion about variant significance. To our knowledge, no occurrence of c.(?_-113)_(4338+1_4339-1)dup in individuals affected with DOCK8-related conditions and no experimental evidence demonstrating its impact on protein function have been reported. ClinVar contains an entry for this variant (Variation ID: 3245214). Based on the evidence outlined above, the variant was classified as uncertain significance.

NC_000009.11:g.(?_214864)_(426982_428361)dup

Genes: DOCK8 (dedicator of cytokinesis 8; plus strand), DOCK8-AS1 (DOCK8 antisense RNA 1; minus strand). Cytogenetic location: 9p24.3.
Variant type: Duplication.
Identifiers: ClinVar variation 4847769 (VCV004847769.1).